The following is an entry in ClinVar:

NM_006231.4(POLE):c.2926C>T (p.Arg976Cys)

Gene: POLE (DNA polymerase epsilon, catalytic subunit; minus strand). Cytogenetic location: 12q24.33.
Variant type: single nucleotide variant.
Coding change: c.2926C>T on transcript NM_006231.4 (MANE Select); coding-DNA position 2926, C replaced by T.
Protein change: p.Arg976Cys; replaces arginine 976 with cysteine.
Molecular consequence: missense variant.
Genome position (GRCh38, 1-based): chr12:132,661,103, G>A on the plus strand (C>T on the coding strand, the complement: POLE is on the minus strand). VCF-style: chr12-132661103-G-A. GRCh37 (hg19) VCF-style: chr12-133237689-G-A.
Other names: short protein forms R976C.
Identifiers: ClinVar variation 405718 (VCV000405718.10), dbSNP rs1060500820, ClinGen allele CA16613825.

ClinVar aggregate classification (germline): Uncertain significance. Review status: criteria provided, multiple submitters, no conflicts (2 of 4 stars). 2 submissions from 2 submitters: Uncertain significance (2). Last evaluated 2025-09-30.

Conditions:
Hereditary cancer-predisposing syndrome. Also called: Hereditary Cancer Syndrome; Hereditary neoplastic syndrome; Neoplastic Syndromes, Hereditary; Tumor predisposition. Identifiers: Orphanet 140162, MedGen C0027672, MeSH D009386, MONDO:0015356.

Allele frequency attached by ClinVar (database versions not stated): gnomAD exomes below 0.00001.
gnomAD v4.1: 2 of 1,613,898 alleles (0.00012%); highest among the groups gnomAD compares: Admixed American, 0.0017%; no homozygotes.

Submissions (2):

Labcorp Genetics (formerly Invitae), Labcorp
Classification: Uncertain significance. Last evaluated: 2025-09-30. Review status: criteria provided, single submitter. Criteria: Invitae Variant Classification Sherloc (09022015). Collection method: clinical testing. Allele origin: germline.
Comment: This sequence change replaces arginine, which is basic and polar, with cysteine, which is neutral and slightly polar, at codon 976 of the POLE protein (p.Arg976Cys). This variant is not present in population databases (gnomAD no frequency). This variant has not been reported in the literature in individuals affected with POLE-related conditions. ClinVar contains an entry for this variant (Variation ID: 405718). Invitae Evidence Modeling of protein sequence and biophysical properties (such as structural, functional, and spatial information, amino acid conservation, physicochemical variation, residue mobility, and thermodynamic stability) indicates that this missense variant is expected to disrupt POLE protein function with a positive predictive value of 80%. In summary, the available evidence is currently insufficient to determine the role of this variant in disease. Therefore, it has been classified as a Variant of Uncertain Significance.

Ambry Genetics
Classification: Uncertain significance for Hereditary cancer-predisposing syndrome. Last evaluated: 2025-07-14. Review status: criteria provided, single submitter. Criteria: Ambry Variant Classification Scheme 2023. Collection method: clinical testing. Allele origin: germline.
Comment: The p.R976C variant (also known as c.2926C>T), located in coding exon 25 of the POLE gene, results from a C to T substitution at nucleotide position 2926. The arginine at codon 976 is replaced by cysteine, an amino acid with highly dissimilar properties. This amino acid position is highly conserved in available vertebrate species. In addition, the in silico prediction for this alteration is inconclusive. Based on the available evidence, the clinical significance of this variant remains unclear.